The following is an entry in ClinVar:

NC_000023.10:g.(?_22151620)_(22151761_?)del

Gene: PHEX (phosphate regulating endopeptidase X-linked; plus strand). Cytogenetic location: Xp22.11.
Variant type: Deletion.
Identifiers: ClinVar variation 1454970 (VCV001454970.5).

ClinVar aggregate classification (germline): Pathogenic (1 of 4 stars; one submission).

Submission:

Labcorp Genetics (formerly Invitae), Labcorp
Classification: Pathogenic. Last evaluated: 2022-10-15. Review status: criteria provided, single submitter. Criteria: Invitae Variant Classification Sherloc (09022015). Collection method: clinical testing. Allele origin: germline.
Comment: For these reasons, this variant has been classified as Pathogenic. A similar copy number variant has been observed in individual(s) with X-linked hypophosphatemia (PMID: 9199930, 9768674, 29460029; Invitae). This variant is a gross deletion of the genomic region encompassing exon(s) 12 of the PHEX gene. This variant would be expected to be in-frame, preserving the integrity of the reading frame.

Literature cited by the submitters: PubMed 9199930; PubMed 9768674; PubMed 29460029.